The following is an entry in ClinVar:

NM_018896.5(CACNA1G):c.4712T>A (p.Met1571Lys)

Gene: CACNA1G (calcium voltage-gated channel subunit alpha1 G; plus strand). Cytogenetic location: 17q21.33.
Variant type: single nucleotide variant.
Coding change: c.4712T>A on transcript NM_018896.5 (MANE Select); coding-DNA position 4712, T replaced by A.
Protein change: p.Met1571Lys; replaces methionine 1571 with lysine.
Molecular consequence: missense variant. On other transcripts: non-coding transcript variant (2), intron variant (17).
Genome position (GRCh38, 1-based): chr17:50,609,888, T>A. VCF-style: chr17-50609888-T-A. GRCh37 (hg19) VCF-style: chr17-48687249-T-A.
Other names: c.4733T>A, p.Met1578Lys (NM_001256325.2); c.4712T>A, p.Met1571Lys (NM_001256327.2, NM_001256333.2, NM_198384.3 and 1 more transcripts); c.4610T>A, p.Met1537Lys (NM_001256329.2); c.4541T>A, p.Met1514Lys (NM_001256332.2); c.4631T>A, p.Met1544Lys (NM_001256359.2); c.4643T>A, p.Met1548Lys (NM_198382.3, NM_198383.3); c.4726+1848T>A (NM_198377.3, NM_198380.3, NM_198378.3 and 1 more transcripts); c.4705+1869T>A (NM_001256324.2, NM_198386.3, NM_001256328.2); and 6 more; short protein forms M1514K, M1537K, M1544K, M1548K, M1571K, M1578K.
Identifiers: ClinVar variation 3775601 (VCV003775601.1).

ClinVar aggregate classification (germline): Uncertain significance (1 of 4 stars; one submission).

Conditions:
Spinocerebellar ataxia 42, early-onset, severe, with neurodevelopmental deficits. Identifiers: MedGen C4748120, MONDO:0060758, OMIM 618087.

Submission:

3billion
Classification: Uncertain significance for Spinocerebellar ataxia 42, early-onset, severe, with neurodevelopmental deficits. Last evaluated: 2024-01-23. Review status: criteria provided, single submitter. Criteria: ACMG Guidelines, 2015. Collection method: clinical testing. Allele origin: germline. Affected: yes.
Comment: The variant is not observed in the gnomAD v2.1.1 dataset. Predicted Consequence/Location: Missense changes are a common disease-causing mechanism. In silico tool predictions suggest damaging effect of the variant on gene or gene product [REVEL: 0.64 (>=0.6, sensitivity 0.68 and specificity 0.92)]. Therefore, this variant is classified as VUS according to the recommendation of ACMG/AMP guideline.